The following is an entry in ClinVar:

ClinVar aggregate classification (germline): Uncertain significance (1 of 4 stars; one submission).

Conditions:
Inflammatory skin and bowel disease, neonatal, 1. Identifiers: Orphanet 294023, MedGen C3280501, MONDO:0013693, OMIM 614328.

gnomAD v4.1: 3 of 1,613,816 alleles (0.00019%); highest among the groups gnomAD compares: Non-Finnish European, 0.00025%; no homozygotes.

Submission:

Labcorp Genetics (formerly Invitae), Labcorp
Classification: Uncertain significance for Inflammatory skin and bowel disease, neonatal, 1. Last evaluated: 2024-04-25. Review status: criteria provided, single submitter. Criteria: Invitae Variant Classification Sherloc (09022015). Collection method: clinical testing. Allele origin: germline.
Comment: This sequence change replaces methionine, which is neutral and non-polar, with leucine, which is neutral and non-polar, at codon 221 of the ADAM17 protein (p.Met221Leu). This variant is not present in population databases (gnomAD no frequency). This variant has not been reported in the literature in individuals affected with ADAM17-related conditions. Algorithms developed to predict the effect of missense changes on protein structure and function output the following: SIFT: "Not Available"; PolyPhen-2: "Benign"; Align-GVGD: "Not Available". The leucine amino acid residue is found in multiple mammalian species, which suggests that this missense change does not adversely affect protein function. In summary, the available evidence is currently insufficient to determine the role of this variant in disease. Therefore, it has been classified as a Variant of Uncertain Significance.

NM_003183.6(ADAM17):c.661A>T (p.Met221Leu)

Gene: ADAM17 (ADAM metallopeptidase domain 17; minus strand). Cytogenetic location: 2p25.1.
Variant type: single nucleotide variant.
Coding change: c.661A>T on transcript NM_003183.6 (MANE Select); coding-DNA position 661, A replaced by T.
Protein change: p.Met221Leu; replaces methionine 221 with leucine.
Molecular consequence: missense variant. On other transcripts: initiator codon variant (1), 5 prime UTR variant (1).
Genome position (GRCh38, 1-based): chr2:9,526,203, T>A on the plus strand (A>T on the coding strand, the complement: ADAM17 is on the minus strand). VCF-style: chr2-9526203-T-A. GRCh37 (hg19) VCF-style: chr2-9666332-T-A.
Other names: c.1A>T, p.Met1Leu (NM_001382777.1); c.-242A>T (NM_001382778.1); short protein forms M1L, M221L.
Identifiers: ClinVar variation 2862551 (VCV002862551.3), dbSNP rs1391226371, ClinGen allele CA345783232.